The following is an entry in ClinVar:

ClinVar aggregate classification (germline): Uncertain significance (1 of 4 stars; one submission).

Submission:

CeGaT Center for Human Genetics Tuebingen
Classification: Uncertain significance. Last evaluated: 2025-02-01. Review status: criteria provided, single submitter. Criteria: CeGaT Center For Human Genetics Tuebingen Variant Classification Criteria Version 2. Collection method: clinical testing. Allele origin: germline. Affected: yes. Observed: 1 variant allele.
Comment: DEAF1: PM2

NM_021008.4(DEAF1):c.1594-1719G>A

Gene: DEAF1 (DEAF1 transcription factor; minus strand). Cytogenetic location: 11p15.5.
Variant type: single nucleotide variant.
Coding change: c.1594-1719G>A on transcript NM_021008.4 (MANE Select); 1719 bases into the intron before coding-DNA position 1594, G replaced by A.
Molecular consequence: intron variant.
Genome position (GRCh38, 1-based): chr11:646,373, C>T on the plus strand (G>A on the coding strand, the complement: DEAF1 is on the minus strand). VCF-style: chr11-646373-C-T. GRCh37 (hg19) VCF-style: chr11-646373-C-T.
Other names: c.868-1719G>A (NM_001367390.1, NM_001440885.1, NM_001440887.1 and 1 more transcripts); c.1369-1719G>A (NM_001293634.2); c.1465-1719G>A (NM_001440884.1); c.1504-1719G>A (NM_001440883.1).
Identifiers: ClinVar variation 3771855 (VCV003771855.13).